The following is an entry in ClinVar:

NM_000059.4(BRCA2):c.6990_6994del (p.Ile2330fs)

Gene: BRCA2 (BRCA2 DNA repair associated; plus strand). Cytogenetic location: 13q13.1.
Variant type: Deletion.
Coding change: c.6990_6994del on transcript NM_000059.4 (MANE Select); coding-DNA positions 6990 to 6994, 5 bases deleted (TACCT; older notation c.6990_6994delTACCT).
Protein change: p.Ile2330fs; shifts the reading frame from isoleucine 2330.
Molecular consequence: frameshift variant.
Genome position (GRCh38, 1-based): chr13:32,346,879-32,346,883, TACCT deleted; deleting any 5 consecutive bases within chr13:32,346,878-32,346,883 gives the same sequence; the c. name uses the placement nearest the transcript's 3' end. VCF-style (leftmost placement, unchanged base first): chr13-32346877-ATTACC-A. GRCh37 (hg19) VCF-style: chr13-32921014-ATTACC-A.
Other names: 7218del5; c.6990_6994delTACCT (NM_000059.3).
Identifiers: ClinVar variation 52232 (VCV000052232.22), dbSNP rs80359631, ClinGen allele CA024671.
Genomic context (GRCh38, chr13:32,346,877, plus strand): 5'-TGTTTCCTAGGCACAATAAAAGATCGAAGATTGTTTATGCATCATGTTTCTTTAGAGCCG[ATTACC>A]TGTGTACCCTTTCGGTAAGACATGTTTAAATTTTTCTAAATTCTAATACAGTATGAGAAA-3'

ClinVar aggregate classification (germline): Pathogenic. Review status: reviewed by expert panel (3 of 4 stars). 12 submissions from 12 submitters: Pathogenic (1). 11 of the submissions do not count toward it. Last evaluated 2016-09-08.

Conditions:
Hereditary breast ovarian cancer syndrome. Also called: Hereditary breast and ovarian cancer syndrome; Hereditary breast and ovarian cancer; Hereditary breast and ovarian cancer syndrome (HBOC); Breast and ovarian cancer; Hereditary breast and/or ovarian cancer syndrome; BRCA1- and BRCA2-Associated Hereditary Breast and Ovarian Cancer. Identifiers: Orphanet 145, MedGen C0677776, MeSH D061325, MONDO:0003582. Disease mechanism: loss of function.
Familial cancer of breast. Also called: BREAST CANCER, FAMILIAL; Hereditary breast cancer; hereditary breast carcinoma. Identifiers: Orphanet 227535, MedGen C0346153, MONDO:0016419, OMIM 114480. Disease mechanism: loss of function.
Hereditary cancer-predisposing syndrome. Also called: Neoplastic Syndromes, Hereditary; Tumor predisposition; Hereditary neoplastic syndrome; Hereditary Cancer Syndrome. Identifiers: Orphanet 140162, MedGen C0027672, MeSH D009386, MONDO:0015356.
Breast-ovarian cancer, familial, susceptibility to, 2 (BROVCA2). Also called: BRCA2 Hereditary Breast and Ovarian Cancer. Identifiers: Orphanet 145, MedGen C2675520, MONDO:0012933, OMIM 612555. Disease mechanism: loss of function.

Submissions (12):

Evidence-based Network for the Interpretation of Germline Mutant Alleles (ENIGMA)
Classification: Pathogenic for Breast-ovarian cancer, familial, susceptibility to, 2. Last evaluated: 2016-09-08. Review status: reviewed by expert panel. Criteria: ENIGMA BRCA1/2 Classification Criteria (2015). Collection method: curation. Allele origin: germline.
Comment: Variant allele predicted to encode a truncated non-functional protein.

Labcorp Genetics (formerly Invitae), Labcorp
Classification: Pathogenic for Hereditary breast ovarian cancer syndrome. Last evaluated: 2025-11-09. Review status: criteria provided, single submitter. Criteria: Invitae Variant Classification Sherloc (09022015). Collection method: clinical testing. Allele origin: germline. Not counted in ClinVar's aggregate classification.
Comment: This sequence change creates a premature translational stop signal (p.Ile2330Metfs*8) in the BRCA2 gene. It is expected to result in an absent or disrupted protein product. Loss-of-function variants in BRCA2 are known to be pathogenic (PMID: 20104584). This variant is not present in population databases (gnomAD no frequency). This premature translational stop signal has been observed in individual(s) with high risk of breast and/or ovarian cancer (PMID: 29446198). ClinVar contains an entry for this variant (Variation ID: 52232). For these reasons, this variant has been classified as Pathogenic.

GeneDx
Classification: Pathogenic. Last evaluated: 2024-09-27. Review status: criteria provided, single submitter. Criteria: GeneDx Variant Classification Process June 2021. Collection method: clinical testing. Allele origin: germline. Affected: yes. Not counted in ClinVar's aggregate classification.
Comment: Frameshift variant predicted to result in protein truncation or nonsense mediated decay in a gene for which loss of function is a known mechanism of disease; Truncating variants in this gene are considered pathogenic by a well-established clinical consortium and/or database; Not observed at significant frequency in large population cohorts (gnomAD); Also known as 7218del5; This variant is associated with the following publications: (PMID: 29446198, 32380732, 31209999, 23583677, 34287479, 34742578, 32073954, 29854292)

Ambry Genetics
Classification: Pathogenic for Hereditary cancer-predisposing syndrome. Last evaluated: 2024-03-19. Review status: criteria provided, single submitter. Criteria: Ambry Variant Classification Scheme 2023. Collection method: clinical testing. Allele origin: germline. Not counted in ClinVar's aggregate classification.
Comment: The c.6990_6994delTACCT pathogenic mutation, located in coding exon 12 of the BRCA2 gene, results from a deletion of 5 nucleotides at nucleotide positions 6990 to 6994, causing a translational frameshift with a predicted alternate stop codon (p.I2330Mfs*8). This variant is considered to be rare based on population cohorts in the Genome Aggregation Database (gnomAD). This alteration is expected to result in loss of function by premature protein truncation or nonsense-mediated mRNA decay. As such, this alteration is interpreted as a disease-causing mutation.

All of Us Research Program, National Institutes of Health
Classification: Pathogenic for Breast-ovarian cancer, familial, susceptibility to, 2. Last evaluated: 2023-11-08. Review status: criteria provided, single submitter. Criteria: ACMG Guidelines, 2015. Collection method: clinical testing. Allele origin: germline. Inheritance: Autosomal dominant inheritance. Observed: 1 variant allele, 1 heterozygote. Not counted in ClinVar's aggregate classification.
Comment: The c.6990_6994del (p.Ile2330Metfs*8) variant in the BRCA2 gene is located on the exon 13 and is predicted to cause shift of reading frame that introduces a premature translation termination codon (p.Ile2330Metfs*8), resulting in an absent or disrupted protein product. The variant has been reported in individuals with hereditary breast and ovarian cancer syndrome (PMID: 31209999, 29854292). Loss-of-function variants of BRCA2 are known to be pathogenic (PMID: 8988179, 11897832, 29446198). The variant is reported in ClinVar as pathogenic (ID: 52232) and reviewed by the expert panel. The variant is absent in the general population database (gnomAD). Therefore, the c.6990_6994del (p.Ile2330Metfs*8) variant of BRCA2 has been classified as pathogenic.

This study involves interpretation of variants in research participants for the purpose of population health screening. Participant phenotype was not available at the time of variant classification. Additional details can be found in publication PMID: 35346344, PMCID: PMC8962531

Baylor Genetics
Classification: Pathogenic for Familial cancer of breast. Last evaluated: 2021-09-22. Review status: criteria provided, single submitter. Criteria: ACMG Guidelines, 2015. Collection method: clinical testing. Allele origin: unknown. Not counted in ClinVar's aggregate classification.

Quest Diagnostics Nichols Institute San Juan Capistrano
Classification: Pathogenic. Last evaluated: 2020-03-05. Review status: criteria provided, single submitter. Criteria: Quest Diagnostics criteria. Collection method: clinical testing. Allele origin: unknown. Not counted in ClinVar's aggregate classification.
Comment: The variant results in a shift of the reading frame, and is therefore predicted to result in the loss of a functional protein. Found in at least one patient with expected phenotype for this gene, and not found in general population data.

Color Diagnostics, LLC DBA Color Health
Classification: Pathogenic for Hereditary cancer-predisposing syndrome. Last evaluated: 2020-01-15. Review status: criteria provided, single submitter. Criteria: ACMG Guidelines, 2015. Collection method: clinical testing. Allele origin: germline. Not counted in ClinVar's aggregate classification.
Comment: This variant deletes 5 nucleotides in exon 13 of the BRCA2 gene, creating a frameshift and premature translation stop signal. This variant is expected to result in an absent or non-functional protein product. This variant has not been identified in the general population by the Genome Aggregation Database (gnomAD). Loss of BRCA2 function is a known mechanism of disease. Based on the available evidence, this variant is classified as Pathogenic.

Women's Health and Genetics/Laboratory Corporation of America, LabCorp
Classification: Pathogenic for Hereditary breast and ovarian cancer syndrome. Last evaluated: 2018-10-12. Review status: criteria provided, single submitter. Criteria: LabCorp Variant Classification Summary - May 2015. Collection method: clinical testing. Allele origin: germline. Not counted in ClinVar's aggregate classification.
Comment: Variant summary: BRCA2 c.6990_6994delTACCT (p.Ile2330MetfsX8) results in a premature termination codon, predicted to cause a truncation of the encoded protein or absence of the protein due to nonsense mediated decay, which are commonly known mechanisms for disease. Truncations downstream of this position have been classified as pathogenic by our laboratory (eg., p.Val2333fsX6, p.Gln2342fsX17, and p.Leu2357fsX2). The variant was absent in 244860 control chromosomes. c.6990_6994delTACCT has been reported in multiple individuals affected with Hereditary Breast and Ovarian Cancer. These data indicate that the variant is very likely to be associated with disease. To our knowledge, no experimental evidence demonstrating an impact on protein function has been reported. Three clinical diagnostic laboratories have submitted clinical-significance assessments for this variant to ClinVar after 2014 without evidence for independent evaluation and all classified the variant as pathogenic. Based on the evidence outlined above, the variant was classified as pathogenic.

Consortium of Investigators of Modifiers of BRCA1/2 (CIMBA), c/o University of Cambridge
Classification: Pathogenic for Breast-ovarian cancer, familial, susceptibility to, 2. Last evaluated: 2015-10-02. Review status: criteria provided, single submitter. Criteria: CIMBA Mutation Classification guidelines May 2016. Collection method: clinical testing. Allele origin: germline. Not counted in ClinVar's aggregate classification.

Research Molecular Genetics Laboratory, Women's College Hospital, University of Toronto
Classification: Pathogenic for Hereditary breast ovarian cancer syndrome. Last evaluated: 2014-01-31. Review status: no assertion criteria provided. Collection method: research. Allele origin: germline. Affected: yes. Study: The Canadian Open Genetics Repository (COGR). Not counted in ClinVar's aggregate classification.

Breast Cancer Information Core (BIC) (BRCA2)
Classification: Pathogenic for Breast-ovarian cancer, familial 2. Last evaluated: 2002-05-29. Review status: no assertion criteria provided. Collection method: clinical testing. Allele origin: germline. Affected: yes. Observed: 6 variant alleles. Not counted in ClinVar's aggregate classification.

Literature cited by the submitters: PubMed 20104584 (cited by Labcorp Genetics (formerly Invitae), Labcorp); PubMed 29446198 (cited by 3 submitters); PubMed 8988179 (cited by All of Us Research Program, National Institutes of Health); PubMed 11897832 (cited by All of Us Research Program, National Institutes of Health); PubMed 29854292 (cited by All of Us Research Program, National Institutes of Health); PubMed 31209999 (cited by All of Us Research Program, National Institutes of Health); PubMed 23583677 (cited by Quest Diagnostics Nichols Institute San Juan Capistrano and Women's Health and Genetics/Laboratory Corporation of America, LabCorp).